The following is an entry in ClinVar:

NM_032901.4(COX14):c.121C>T (p.Arg41Cys)

Gene: COX14 (cytochrome c oxidase assembly factor COX14; plus strand). Cytogenetic location: 12q13.12.
Variant type: single nucleotide variant.
Coding change: c.121C>T on transcript NM_032901.4 (MANE Select); coding-DNA position 121, C replaced by T.
Protein change: p.Arg41Cys; replaces arginine 41 with cysteine.
Molecular consequence: missense variant.
Genome position (GRCh38, 1-based): chr12:50,120,164, C>T. VCF-style: chr12-50120164-C-T. GRCh37 (hg19) VCF-style: chr12-50513947-C-T.
Other names: p.R41C:CGC>TGC; c.121C>T (NM_032901.2); c.121C>T, p.Arg41Cys (NM_001257133.2, NM_001257134.2); short protein forms R41C.
Identifiers: ClinVar variation 214249 (VCV000214249.12), dbSNP rs148220171, ClinGen allele CA324495.

ClinVar aggregate classification (germline): Uncertain significance. Review status: criteria provided, multiple submitters, no conflicts (2 of 4 stars). 3 submissions from 3 submitters: Uncertain significance (3). Last evaluated 2025-12-29.

Allele frequency attached by ClinVar (database versions not stated): gnomAD exomes 0.00009 and 0.00021; gnomAD 0.00013 and 0.00014; ESP Exome Variant Server 0.00015; ExAC 0.00021; TOPMed 0.00023; 1000 Genomes Project 30x 0.00031; 1000 Genomes Project 0.00040.

Submissions (3):

Labcorp Genetics (formerly Invitae), Labcorp
Classification: Uncertain significance. Last evaluated: 2025-12-29. Review status: criteria provided, single submitter. Criteria: Invitae Variant Classification Sherloc (09022015). Collection method: clinical testing. Allele origin: germline.
Comment: This sequence change replaces arginine, which is basic and polar, with cysteine, which is neutral and slightly polar, at codon 41 of the COX14 protein (p.Arg41Cys). This variant is present in population databases (rs148220171, gnomAD 0.09%), and has an allele count higher than expected for a pathogenic variant. This variant has not been reported in the literature in individuals affected with COX14-related conditions. ClinVar contains an entry for this variant (Variation ID: 214249). An algorithm developed to predict the effect of missense changes on protein structure and function (PolyPhen-2) suggests that this variant is likely to be disruptive. In summary, the available evidence is currently insufficient to determine the role of this variant in disease. Therefore, it has been classified as a Variant of Uncertain Significance.

Ambry Genetics
Classification: Uncertain significance. Last evaluated: 2025-05-25. Review status: criteria provided, single submitter. Criteria: Ambry Variant Classification Scheme 2023. Collection method: clinical testing. Allele origin: germline.

GeneDx
Classification: Uncertain significance. Last evaluated: 2018-09-21. Review status: criteria provided, single submitter. Criteria: GeneDx Variant Classification (06012015). Collection method: clinical testing. Allele origin: germline. Affected: yes.
Comment: p.Arg41Cys (CGC>TGC): c.121 C>T in exon 2 of the COX14 gene (NM_032901.3). The R41C missense substitution has not been published as a mutation, nor has it been reported as a benign polymorphism to our knowledge. The amino acid change is non-conservative in that a positively charged Arginine residue is replaced by an uncharged Cysteine residue and the introduction of a Cysteine residue could affect disulfide bonds in the COX14 protein. This change occurs at a conserved position in the COX14 protein. In-silico analyses are not consistent in their predictions of whether or not R41C is damaging to the COX14 protein. Therefore, based on the currently available information, it is unclear whether R41C is a disease-causing mutation or a rare benign variant. The variant is found in LAPDH-MITOP,MITONUC-MITOP panel(s).